The following is an entry in ClinVar:

ClinVar aggregate classification (germline): Uncertain significance (1 of 4 stars; one submission).

Conditions:
Deafness-lymphedema-leukemia syndrome. Also called: Lymphedema, primary, with myelodysplasia; Emberger syndrome. Identifiers: Orphanet 3226, MedGen C3279664, MONDO:0013540, OMIM 614038.
Monocytopenia with susceptibility to infections. Also called: MONOCYTOPENIA AND MYCOBACTERIAL INFECTION SYNDROME; MONOCYTOPENIA WITH SUSCEPTIBILITY TO MYCOBACTERIAL, FUNGAL, AND PAPILLOMAVIRUS INFECTIONS AND MYELODYSPLASIA; COMBINED IMMUNODEFICIENCY WITH SUSCEPTIBILITY TO MYCOBACTERIAL, VIRAL, AND FUNGAL INFECTIONS; Dendritic cell, monocyte, B lymphocyte, and natural killer lymphocyte deficiency; IMMUNODEFICIENCY 21; GATA2 DEFICIENCY. Identifiers: Orphanet 228423, MedGen C3280030, MONDO:0013607, OMIM 614172.

Submission:

Labcorp Genetics (formerly Invitae), Labcorp
Classification: Uncertain significance for Monocytopenia with susceptibility to infections; Deafness-lymphedema-leukemia syndrome. Last evaluated: 2023-02-13. Review status: criteria provided, single submitter. Criteria: Invitae Variant Classification Sherloc (09022015). Collection method: clinical testing. Allele origin: germline.
Comment: In summary, the available evidence is currently insufficient to determine the role of this variant in disease. Therefore, it has been classified as a Variant of Uncertain Significance. Algorithms developed to predict the effect of missense changes on protein structure and function (SIFT, PolyPhen-2, Align-GVGD) all suggest that this variant is likely to be tolerated. This variant has not been reported in the literature in individuals affected with GATA2-related conditions. This variant is not present in population databases (gnomAD no frequency). This sequence change replaces tryptophan, which is neutral and slightly polar, with leucine, which is neutral and non-polar, at codon 10 of the GATA2 protein (p.Trp10Leu).

NM_032638.5(GATA2):c.29G>T (p.Trp10Leu)

Gene: GATA2 (GATA binding protein 2; minus strand). Cytogenetic location: 3q21.3.
Variant type: single nucleotide variant.
Coding change: c.29G>T on transcript NM_032638.5 (MANE Select); coding-DNA position 29, G replaced by T.
Protein change: p.Trp10Leu; replaces tryptophan 10 with leucine.
Molecular consequence: missense variant.
Genome position (GRCh38, 1-based): chr3:128,487,003, C>A on the plus strand (G>T on the coding strand, the complement: GATA2 is on the minus strand). VCF-style: chr3-128487003-C-A. GRCh37 (hg19) VCF-style: chr3-128205846-C-A.
Other names: c.29G>T, p.Trp10Leu (NM_001145661.2, NM_001145662.1); short protein forms W10L.
Identifiers: ClinVar variation 2944227 (VCV002944227.3), dbSNP rs2472935209, ClinGen allele CA354409241.